The following is an entry in ClinVar:

ClinVar aggregate classification (germline): Pathogenic (1 of 4 stars; one submission).

Conditions:
Familial cancer of breast. Also called: Hereditary breast cancer; BREAST CANCER, FAMILIAL; hereditary breast carcinoma. Identifiers: Orphanet 227535, MedGen C0346153, MONDO:0016419, OMIM 114480. Disease mechanism: loss of function.

Submission:

Myriad Genetics, Inc.
Classification: Pathogenic for Familial cancer of breast. Last evaluated: 2023-06-07. Review status: criteria provided, single submitter. Criteria: Myriad Autosomal Dominant, Autosomal Recessive and X-Linked Classification Criteria (2023). Collection method: clinical testing. Allele origin: unknown.
Comment: This variant is considered pathogenic. This variant creates a termination codon and is predicted to result in premature protein truncation.

NM_032043.3(BRIP1):c.2615C>A (p.Ser872Ter)

Gene: BRIP1 (BRCA1 interacting DNA helicase 1; minus strand). Cytogenetic location: 17q23.2.
Variant type: single nucleotide variant.
Coding change: c.2615C>A on transcript NM_032043.3 (MANE Select); coding-DNA position 2615, C replaced by A.
Protein change: p.Ser872Ter; replaces serine 872 with a stop codon.
Molecular consequence: nonsense.
Genome position (GRCh38, 1-based): chr17:61,686,126, G>T on the plus strand (C>A on the coding strand, the complement: BRIP1 is on the minus strand). VCF-style: chr17-61686126-G-T. GRCh37 (hg19) VCF-style: chr17-59763487-G-T.
Other names: short protein forms S872*.
Identifiers: ClinVar variation 2583307 (VCV002583307.2), dbSNP rs587781964, ClinGen allele CA400481936.